The following is an entry in ClinVar:

ClinVar aggregate classification (germline): Benign. Review status: criteria provided, multiple submitters, no conflicts (2 of 4 stars). 3 submissions from 3 submitters: Benign (3). Last evaluated 2021-05-17.

Conditions:
Brain small vessel disease 2A, autosomal dominant. Also called: Porencephaly 2. Identifiers: Orphanet 2940, Orphanet 99810, MedGen C3280970, MONDO:0013773, OMIM 614483.

Allele frequency attached by ClinVar (database versions not stated): gnomAD exomes 0.48796; gnomAD 0.48885 and 0.49166; TOPMed 0.49488; 1000 Genomes Project 0.50938; 1000 Genomes Project 30x 0.51077.
gnomAD v4.1: 127,478 of 260,090 alleles (49%); highest among the groups gnomAD compares: Admixed American, 59%; 31,514 homozygotes.

Submissions (3):

GeneDx
Classification: Benign. Last evaluated: 2021-05-17. Review status: criteria provided, single submitter. Criteria: GeneDx Variant Classification Process June 2021. Collection method: clinical testing. Allele origin: germline. Affected: yes.

Illumina Laboratory Services, Illumina
Classification: Benign for Brain small vessel disease 2A, autosomal dominant. Last evaluated: 2018-01-13. Review status: criteria provided, single submitter. Criteria: ICSL Variant Classification Criteria 13 December 2019. Collection method: clinical testing. Allele origin: germline.
Comment: This variant was observed in the ICSL laboratory as part of a predisposition screen in an ostensibly healthy population. It had not been previously curated by ICSL or reported in the Human Gene Mutation Database (HGMD: prior to June 1st, 2018), and was therefore a candidate for classification through an automated scoring system. Utilizing variant allele frequency, disease prevalence and penetrance estimates, and inheritance mode, an automated score was calculated to assess if this variant is too frequent to cause the disease. Based on the score and internal cut-off values, a variant classified as benign is not then subjected to further curation. The score for this variant resulted in a classification of benign for this disease.

Breakthrough Genomics
Classification: Benign. Review status: criteria provided, single submitter. Criteria: ACMG Guidelines, 2015. Collection method: not provided. Allele origin: germline. Inheritance: Autosomal dominant inheritance. Affected: yes.

NM_001846.4(COL4A2):c.-215C>T

Genes: COL4A1 (collagen type IV alpha 1 chain; minus strand), COL4A2 (collagen type IV alpha 2 chain; plus strand). Cytogenetic location: 13q34.
Variant type: single nucleotide variant.
Coding change: c.-215C>T on transcript NM_001846.4 (MANE Select); 215 bases upstream of the start codon, C replaced by T.
Molecular consequence: 5 prime UTR variant.
Genome position (GRCh38, 1-based): chr13:110,307,358, C>T. VCF-style: chr13-110307358-C-T. GRCh37 (hg19) VCF-style: chr13-110959705-C-T.
Identifiers: ClinVar variation 311091 (VCV000311091.11), dbSNP rs7990017, ClinGen allele CA10638964.